The following is an entry in ClinVar:

ClinVar aggregate classification (germline): Uncertain significance. Review status: criteria provided, single submitter (1 of 4 stars). 2 submissions from 2 submitters: Uncertain significance (1). 1 of the submissions does not count toward it. Last evaluated 2024-05-03.

Conditions:
Platelet-type bleeding disorder 17 (BDPLT17). Also called: Thrombasthenia-thrombocytopenia, hereditary. Identifiers: Orphanet 721, MedGen C1861194, MONDO:0008553, OMIM 187900.

Allele frequency attached by ClinVar (database versions not stated): TOPMed below 0.00001; ExAC 0.00001; gnomAD 0.00001.
gnomAD v4.1: 4 of 1,614,082 alleles (0.00025%); highest among the groups gnomAD compares: Admixed American, 0.0067%; no homozygotes.

Submissions (2):

GeneDx
Classification: Uncertain significance. Last evaluated: 2024-05-03. Review status: criteria provided, single submitter. Criteria: GeneDx Variant Classification Process June 2021. Collection method: clinical testing. Allele origin: germline. Affected: yes.
Comment: In silico analysis supports that this missense variant has a deleterious effect on protein structure/function; This variant is associated with the following publications: (PMID: 28041820)

OMIM
Classification: Pathogenic for BLEEDING DISORDER, PLATELET-TYPE, 17. Last evaluated: 2019-12-27. Review status: no assertion criteria provided. Collection method: literature only. Allele origin: germline. Not counted in ClinVar's aggregate classification.

Literature cited by the submitters: PubMed 28041820 (cited by OMIM).

NM_001377304.1(GFI1B):c.923T>C (p.Leu308Pro)

Gene: GFI1B (growth factor independent 1B transcriptional repressor; plus strand). Cytogenetic location: 9q34.13.
Variant type: single nucleotide variant.
Coding change: c.923T>C on transcript NM_001377304.1 (MANE Select); coding-DNA position 923, T replaced by C.
Protein change: p.Leu308Pro; replaces leucine 308 with proline.
Molecular consequence: missense variant.
Genome position (GRCh38, 1-based): chr9:132,990,980, T>C. VCF-style: chr9-132990980-T-C. GRCh37 (hg19) VCF-style: chr9-135866367-T-C.
Other names: c.785T>C, p.Leu262Pro (NM_001135031.2, NM_001377305.1); c.989T>C, p.Leu330Pro (NM_001371908.1); c.923T>C, p.Leu308Pro (NM_004188.8); short protein forms L308P, L262P, L330P.
Identifiers: ClinVar variation 438347 (VCV000438347.4), dbSNP rs775963992, ClinGen allele CA5302127.